The following is an entry in ClinVar:

ClinVar aggregate classification (germline): Pathogenic (1 of 4 stars; one submission).

Submission:

Labcorp Genetics (formerly Invitae), Labcorp
Classification: Pathogenic. Last evaluated: 2025-10-14. Review status: criteria provided, single submitter. Criteria: Invitae Variant Classification Sherloc (09022015). Collection method: clinical testing. Allele origin: germline.
Comment: This sequence change replaces tryptophan, which is neutral and slightly polar, with leucine, which is neutral and non-polar, at codon 207 of the PPP2R5D protein (p.Trp207Leu). This variant is not present in population databases (gnomAD no frequency). This missense change has been observed in individual(s) with clinical features of PPP2R5D-related neurodevelopmental disorder (internal data). In at least one individual the variant was observed to be de novo. An algorithm developed to predict the effect of missense changes on protein structure and function (PolyPhen-2) suggests that this variant is likely to be disruptive. This variant disrupts the p.Trp207 amino acid residue in PPP2R5D. Other variant(s) that disrupt this residue have been determined to be pathogenic (PMID: 24896178, 26168268, 34580403, 35873028, 38008000). This suggests that this residue is clinically significant, and that variants that disrupt this residue are likely to be disease-causing. For these reasons, this variant has been classified as Pathogenic.

Literature cited by the submitters: PubMed 24896178; PubMed 26168268; PubMed 34580403; PubMed 35873028; PubMed 38008000.

NM_006245.4(PPP2R5D):c.620G>T (p.Trp207Leu)

Gene: PPP2R5D (protein phosphatase 2 regulatory subunit B'delta; plus strand). Cytogenetic location: 6p21.1.
Variant type: single nucleotide variant.
Coding change: c.620G>T on transcript NM_006245.4 (MANE Select); coding-DNA position 620, G replaced by T.
Protein change: p.Trp207Leu; replaces tryptophan 207 with leucine.
Molecular consequence: missense variant.
Genome position (GRCh38, 1-based): chr6:43,007,293, G>T. VCF-style: chr6-43007293-G-T. GRCh37 (hg19) VCF-style: chr6-42975031-G-T.
Other names: c.167G>T, p.Trp56Leu (NM_001270476.2); c.524G>T, p.Trp175Leu (NM_180976.3); c.302G>T, p.Trp101Leu (NM_180977.3); short protein forms W175L, W207L, W56L, W101L.
Identifiers: ClinVar variation 4710742 (VCV004710742.1).